The following is an entry in ClinVar:

ClinVar aggregate classification (germline): Likely benign. Review status: criteria provided, multiple submitters, no conflicts (2 of 4 stars). 4 submissions from 4 submitters: Likely benign (2). 2 of the submissions do not count toward it. Last evaluated 2025-12-21.

Conditions:
AGL-related disorder. Also called: AGL-related condition.
Glycogen storage disease type III (GSD3). Also called: FORBES DISEASE; Cori disease. Identifiers: Orphanet 366, MedGen C0017922, MONDO:0009291, OMIM 232400.

Allele frequency attached by ClinVar (database versions not stated): gnomAD 0.00001; ExAC 0.00002; TOPMed 0.00003.
gnomAD v4.1: 19 of 1,613,716 alleles (0.0012%); highest among the groups gnomAD compares: African/African-American, 0.0053%; no homozygotes.

Submissions (4):

Labcorp Genetics (formerly Invitae), Labcorp
Classification: Likely benign for Glycogen storage disease type III. Last evaluated: 2025-12-21. Review status: criteria provided, single submitter. Criteria: Invitae Variant Classification Sherloc (09022015). Collection method: clinical testing. Allele origin: germline.

CeGaT Center for Human Genetics Tuebingen
Classification: Likely benign. Last evaluated: 2025-03-01. Review status: criteria provided, single submitter. Criteria: CeGaT Center For Human Genetics Tuebingen Variant Classification Criteria Version 2. Collection method: clinical testing. Allele origin: germline. Affected: yes. Observed: 1 variant allele.
Comment: AGL: BP4, BP7

PreventionGenetics, part of Exact Sciences
Classification: Likely benign for AGL-related condition. Last evaluated: 2022-10-12. Review status: no assertion criteria provided. Collection method: clinical testing. Allele origin: germline. Not counted in ClinVar's aggregate classification.
Comment: This variant is classified as likely benign based on ACMG/AMP sequence variant interpretation guidelines (Richards et al. 2015 PMID: 25741868, with internal and published modifications).

Natera, Inc.
Classification: Likely benign for Glycogen storage disease type III. Last evaluated: 2020-10-08. Review status: no assertion criteria provided. Collection method: clinical testing. Allele origin: germline. Not counted in ClinVar's aggregate classification.

NM_000642.3(AGL):c.2574C>T (p.Val858=)

Gene: AGL (amylo-alpha-1,6-glucosidase and 4-alpha-glucanotransferase; plus strand). Cytogenetic location: 1p21.2.
Variant type: single nucleotide variant.
Coding change: c.2574C>T on transcript NM_000642.3 (MANE Select); coding-DNA position 2574, C replaced by T.
Protein change: p.Val858=; no amino-acid change (valine 858 retained).
Molecular consequence: synonymous variant.
Genome position (GRCh38, 1-based): chr1:99,884,596, C>T. VCF-style: chr1-99884596-C-T. GRCh37 (hg19) VCF-style: chr1-100350152-C-T.
Other names: c.2574C>T, p.Val858= (NM_000028.3, NM_000643.3, NM_000644.3 and 2 more transcripts); c.2526C>T, p.Val842= (NM_000646.3); c.2373C>T, p.Val791= (NM_001425327.1); c.2370C>T, p.Val790= (NM_001425328.1); c.2196C>T, p.Val732= (NM_001425332.1).
Identifiers: ClinVar variation 767144 (VCV000767144.24), dbSNP rs772038934, ClinGen allele CA966833.